The following is an entry in ClinVar:

ClinVar aggregate classification (germline): Pathogenic/Likely pathogenic. Review status: criteria provided, multiple submitters, no conflicts (2 of 4 stars). 2 submissions from 2 submitters: Pathogenic (1); Likely pathogenic (1). Last evaluated 2025-07-23.

Conditions:
Autosomal recessive limb-girdle muscular dystrophy type 2D (LGMDR3). Also called: DUCHENNE-LIKE AUTOSOMAL RECESSIVE MUSCULAR DYSTROPHY, TYPE 2; ADHALINOPATHY, PRIMARY; MUSCULAR DYSTROPHY, LIMB-GIRDLE, AUTOSOMAL RECESSIVE 3. Identifiers: Orphanet 62, MedGen C2936332, MONDO:0011968, OMIM 608099. Disease mechanism: Affects gamma-sarcoglycan and also disrupts the integrity of the entire sarcoglycan complex..

Submissions (2):

3billion
Classification: Pathogenic for Autosomal recessive limb-girdle muscular dystrophy type 2D. Last evaluated: 2025-07-23. Review status: criteria provided, single submitter. Criteria: ACMG Guidelines, 2015. Collection method: clinical testing. Allele origin: germline. Affected: yes.
Comment: The variant is not observed in the gnomAD v4.1.0 dataset. Predicted Consequence/Location: Canonical splice site: predicted to alter splicing and result in a loss or disruption of normal protein function. Multiple pathogenic loss-of-function variants are reported downstream of the variant. In silico tools predict the variant to alter splicing and produce an abnormal transcript [SpliceAI: 0.86 (spliceogenicity >=0.2, non-spliceogenicity <0.1)]. The variant has been reported to be associated with SGCA-related disorder (ClinVar ID: VCV003240444). Therefore, this variant is classified as Pathogenic according to the recommendation of ACMG/AMP guideline.

Baylor Genetics
Classification: Likely pathogenic for Autosomal recessive limb-girdle muscular dystrophy type 2D. Last evaluated: 2024-01-06. Review status: criteria provided, single submitter. Criteria: ACMG Guidelines, 2015. Collection method: clinical testing. Allele origin: unknown.

NM_000023.4(SGCA):c.385+2T>C

Gene: SGCA (sarcoglycan alpha; plus strand). Cytogenetic location: 17q21.33.
Variant type: single nucleotide variant.
Coding change: c.385+2T>C on transcript NM_000023.4 (MANE Select); the canonical splice donor site of the intron after coding-DNA position 385, T replaced by C.
Molecular consequence: splice donor variant.
Genome position (GRCh38, 1-based): chr17:50,168,021, T>C. VCF-style: chr17-50168021-T-C. GRCh37 (hg19) VCF-style: chr17-48245382-T-C.
Other names: c.385+2T>C (NM_001135697.3).
Identifiers: ClinVar variation 3240444 (VCV003240444.2), dbSNP rs1598266203.